The following is an entry in ClinVar:

ClinVar aggregate classification (germline): Uncertain significance (1 of 4 stars; one submission).

Allele frequency attached by ClinVar (database versions not stated): gnomAD exomes below 0.00001 and 0.00001.

Submission:

GeneDx
Classification: Uncertain significance. Last evaluated: 2019-08-06. Review status: criteria provided, single submitter. Criteria: GeneDx Variant Classification Process June 2021. Collection method: clinical testing. Allele origin: germline. Affected: yes.
Comment: Has not been previously published as pathogenic or benign to our knowledge; In-silico analysis, which includes splice predictors and evolutionary conservation, is inconclusive as to whether the variant alters gene splicing. In the absence of RNA/functional studies, the actual effect of this sequence change is unknown

NM_001372044.2(SHANK3):c.828-6C>A

Gene: SHANK3 (SH3 and multiple ankyrin repeat domains 3; plus strand). Cytogenetic location: 22q13.33.
Variant type: single nucleotide variant.
Coding change: c.828-6C>A on transcript NM_001372044.2 (MANE Select); 6 bases into the intron before coding-DNA position 828, C replaced by A.
Molecular consequence: intron variant.
Genome position (GRCh38, 1-based): chr22:50,679,013, C>A. VCF-style: chr22-50679013-C-A. GRCh37 (hg19) VCF-style: chr22-51117441-C-A.
Identifiers: ClinVar variation 1304838 (VCV001304838.2), dbSNP rs748298696, ClinGen allele CA10325286.
Genomic context (GRCh38, chr22:50,679,013, plus strand): 5'-TCTTGCCTGGTGATGGGGCTGGGGGCAGCTGGGCCTGGTGTGGATACTGAGGCTGCTCAC[C>A]CTCAGACCCTGCTGGACCTGGGGGCTTCACCTGACTACAAGGACAGCCGCGGCTTGACAC-3'